The following is an entry in ClinVar:

ClinVar aggregate classification (germline): Conflicting classifications of pathogenicity. Review status: criteria provided, conflicting classifications (1 of 4 stars). 3 submissions from 3 submitters: Uncertain significance (1); Likely benign (1). 1 of the submissions does not count toward it. Last evaluated 2018-01-13.

Conditions:
TRMU-related disorder. Also called: TRMU-related condition.
Acute infantile liver failure due to synthesis defect of mtDNA-encoded proteins. Also called: Liver failure acute infantile; TRMU Deficiency; LIVER FAILURE, INFANTILE, TRANSIENT. Identifiers: Orphanet 217371, MedGen C3278664, MONDO:0013111, OMIM 613070.

Allele frequency attached by ClinVar (database versions not stated): TOPMed 0.00006; gnomAD exomes 0.00004; gnomAD 0.00005 and 0.00008.
gnomAD v4.1: 48 of 1,546,902 alleles (0.0031%); highest among the groups gnomAD compares: East Asian, 0.039%; no homozygotes.

Submissions (3):

Illumina Laboratory Services, Illumina
Classification: Uncertain significance for Acute infantile liver failure due to synthesis defect of mtDNA-encoded proteins. Last evaluated: 2018-01-13. Review status: criteria provided, single submitter. Criteria: ICSL Variant Classification Criteria 13 December 2019. Collection method: clinical testing. Allele origin: germline.

GeneDx
Classification: Likely benign. Last evaluated: 2017-11-13. Review status: criteria provided, single submitter. Criteria: GeneDx Variant Classification (06012015). Collection method: clinical testing. Allele origin: germline. Affected: yes.
Comment: This variant is considered likely benign or benign based on one or more of the following criteria: it is a conservative change, it occurs at a poorly conserved position in the protein, it is predicted to be benign by multiple in silico algorithms, and/or has population frequency not consistent with disease.

PreventionGenetics, part of Exact Sciences
Classification: Likely benign for TRMU-related condition. Last evaluated: 2021-04-26. Review status: no assertion criteria provided. Collection method: clinical testing. Allele origin: germline. Not counted in ClinVar's aggregate classification.
Comment: This variant is classified as likely benign based on ACMG/AMP sequence variant interpretation guidelines (Richards et al. 2015 PMID: 25741868, with internal and published modifications).

NM_018006.5(TRMU):c.-19G>C

Gene: TRMU (tRNA mitochondrial 2-thiouridylase; plus strand). Cytogenetic location: 22q13.31.
Variant type: single nucleotide variant.
Coding change: c.-19G>C on transcript NM_018006.5 (MANE Select); 19 bases upstream of the start codon, G replaced by C.
Molecular consequence: 5 prime UTR variant. On other transcripts: non-coding transcript variant (2).
Genome position (GRCh38, 1-based): chr22:46,335,746, G>C. VCF-style: chr22-46335746-G-C. GRCh37 (hg19) VCF-style: chr22-46731643-G-C.
Other names: c.-254G>C (NM_001282782.2); c.-273G>C (NM_001282783.2, NM_001282784.2); c.-19G>C (NM_001282785.2).
Identifiers: ClinVar variation 342004 (VCV000342004.7), dbSNP rs886057609, ClinGen allele CA10654185.